The following is an entry in ClinVar:

ClinVar aggregate classification (germline): Uncertain significance (1 of 4 stars; one submission).

Conditions:
Polycystic kidney disease 4 (PKD4). Also called: Autosomal Recessive Polycystic Kidney Disease – PKHD1; POLYCYSTIC KIDNEY AND HEPATIC DISEASE 1; POLYCYSTIC KIDNEY DISEASE, INFANTILE, TYPE I; POLYCYSTIC KIDNEY DISEASE 4 WITH OR WITHOUT POLYCYSTIC LIVER DISEASE; PKD3. Identifiers: MedGen C4540575, MONDO:0033004, OMIM 263200.

Submission:

MVZ Medizinische Genetik Mainz
Classification: Uncertain significance for Polycystic kidney disease 4. Last evaluated: 2026-08-17. Review status: criteria provided, single submitter. Criteria: UK Practice Guidelines For Variant Classification V4 01 2020. Collection method: clinical testing. Allele origin: germline. Inheritance: Autosomal recessive inheritance. Affected: yes. Observed: 1 variant allele.
Comment: ACMG Criteria: PM2_SUP,PP3

NM_138694.4(PKHD1):c.3365-1819A>C

Gene: PKHD1 (PKHD1 ciliary IPT domain containing fibrocystin/polyductin; minus strand). Cytogenetic location: 6p12.2.
Variant type: single nucleotide variant.
Coding change: c.3365-1819A>C on transcript NM_138694.4 (MANE Select); 1819 bases into the intron before coding-DNA position 3365, A replaced by C.
Molecular consequence: intron variant.
Genome position (GRCh38, 1-based): chr6:52,030,170, T>G on the plus strand (A>C on the coding strand, the complement: PKHD1 is on the minus strand). VCF-style: chr6-52030170-T-G. GRCh37 (hg19) VCF-style: chr6-51894968-T-G.
Other names: c.3365-1819A>C (NM_170724.3).
Identifiers: ClinVar variation 5010164 (VCV005010164.1).